The following is an entry in ClinVar:

ClinVar aggregate classification (germline): Uncertain significance (1 of 4 stars; one submission).

Submission:

GeneDx
Classification: Uncertain significance. Last evaluated: 2015-04-28. Review status: criteria provided, single submitter. Criteria: GeneDx Variant Classification (06012015). Collection method: clinical testing. Allele origin: germline. Affected: yes.
Comment: The K232R variant in the SCN9A gene has not been published as a pathogenic variant, nor has it been reported as a benign polymorphism to our knowledge. The K232R variant was not observed in approximately 6500 individuals of European and African American ancestry in the NHLBI Exome Sequencing Project, indicating it is not a common benign variant in these populations. The K232R variant is a conservative amino acid substitution that occurs at a position within the I repeat domain which is conserved across species. In silico analysis predicts that this variant is probably damaging to the protein structure/function. Missense variants in nearby residues (I228M, I234T, and S241T) have been reported in the Human Gene Mutation Database in association with SCN9A-related disorders (Stenson et al., 2014), supporting the functional importance of this region of the protein. We interpret K232R as a variant of unknown significance.

NM_001365536.1(SCN9A):c.695A>G (p.Lys232Arg)

Gene: SCN9A (sodium voltage-gated channel alpha subunit 9; minus strand). Cytogenetic location: 2q24.3.
Variant type: single nucleotide variant.
Coding change: c.695A>G on transcript NM_001365536.1 (MANE Select); coding-DNA position 695, A replaced by G.
Protein change: p.Lys232Arg; replaces lysine 232 with arginine.
Molecular consequence: missense variant.
Genome position (GRCh38, 1-based): chr2:166,303,296, T>C on the plus strand (A>G on the coding strand, the complement: SCN9A is on the minus strand). VCF-style: chr2-166303296-T-C. GRCh37 (hg19) VCF-style: chr2-167159806-T-C.
Other names: c.695A>G, p.Lys232Arg (NM_002977.4); short protein forms K232R.
Identifiers: ClinVar variation 245762 (VCV000245762.2), dbSNP rs879253936, ClinGen allele CA10584169.